The following is an entry in ClinVar:

ClinVar aggregate classification (germline): Uncertain significance (1 of 4 stars; one submission).

Submission:

Labcorp Genetics (formerly Invitae), Labcorp
Classification: Uncertain significance. Last evaluated: 2023-04-11. Review status: criteria provided, single submitter. Criteria: Invitae Variant Classification Sherloc (09022015). Collection method: clinical testing. Allele origin: unknown.
Comment: In summary, the available evidence is currently insufficient to determine the role of this variant in disease. Therefore, it has been classified as a Variant of Uncertain Significance. This variant has not been reported in the literature in individuals affected with ETV6-related conditions. This variant results in a copy number gain of the genomic region encompassing exon(s) 1-4 of the ETV6 gene. This region includes the initiator codon of the gene. This copy number gain extends beyond the assayed region for this gene and therefore may encompass additional genes. As the precise location of this event is unknown, it may be in tandem or it may be located elsewhere in the genome.

NC_000012.11:g.(?_11803062)_(12009741_?)dup

Gene: ETV6 (ETS variant transcription factor 6; plus strand). Cytogenetic location: 12p13.2.
Variant type: Duplication.
Identifiers: ClinVar variation 3244378 (VCV003244378.1).